The following is an entry in ClinVar:

ClinVar aggregate classification (germline): Likely benign. Review status: criteria provided, single submitter (1 of 4 stars). 2 submissions from 2 submitters: Likely benign (1). 1 of the submissions does not count toward it. Last evaluated 2018-05-31.

Conditions:
CIC-related disorder. Also called: CIC-related condition.

Allele frequency attached by ClinVar (database versions not stated): gnomAD exomes 0.00004 and 0.00007; TOPMed 0.00005; gnomAD 0.00006 and 0.00007; ExAC 0.00009; 1000 Genomes Project 30x 0.00016; 1000 Genomes Project 0.00020; ESP Exome Variant Server 0.00023.
gnomAD v4.1: 71 of 1,612,624 alleles (0.0044%); highest among the groups gnomAD compares: Non-Finnish European, 0.0033%; no homozygotes.

Submissions (2):

Labcorp Genetics (formerly Invitae), Labcorp
Classification: Likely benign. Last evaluated: 2018-05-31. Review status: criteria provided, single submitter. Criteria: Invitae Variant Classification Sherloc (09022015). Collection method: clinical testing. Allele origin: germline.

PreventionGenetics, part of Exact Sciences
Classification: Likely benign for CIC-related condition. Last evaluated: 2021-11-02. Review status: no assertion criteria provided. Collection method: clinical testing. Allele origin: germline. Not counted in ClinVar's aggregate classification.
Comment: This variant is classified as likely benign based on ACMG/AMP sequence variant interpretation guidelines (Richards et al. 2015 PMID: 25741868, with internal and published modifications).

NM_001386298.1(CIC):c.5403A>G (p.Val1801=)

Gene: CIC (capicua transcriptional repressor; plus strand). Cytogenetic location: 19q13.2.
Variant type: single nucleotide variant.
Coding change: c.5403A>G on transcript NM_001386298.1 (MANE Select); coding-DNA position 5403, A replaced by G.
Protein change: p.Val1801=; no amino-acid change (valine 1801 retained).
Molecular consequence: synonymous variant.
Genome position (GRCh38, 1-based): chr19:42,291,444, A>G. VCF-style: chr19-42291444-A-G. GRCh37 (hg19) VCF-style: chr19-42795596-A-G.
Other names: c.5403A>G, p.Val1801= (NM_001304815.2, NM_001379480.1, NM_001379482.1); c.2676A>G, p.Val892= (NM_001379484.1, NM_001379485.1, NM_015125.5).
Identifiers: ClinVar variation 745721 (VCV000745721.5), dbSNP rs150924045, ClinGen allele CA9472309.